The following is an entry in ClinVar:

ClinVar aggregate classification (germline): Uncertain significance. Review status: criteria provided, multiple submitters, no conflicts (2 of 4 stars). 2 submissions from 2 submitters: Uncertain significance (2). Last evaluated 2025-12-24.

Conditions:
Hereditary cancer-predisposing syndrome. Also called: Hereditary neoplastic syndrome; Neoplastic Syndromes, Hereditary; Tumor predisposition; Hereditary Cancer Syndrome. Identifiers: Orphanet 140162, MedGen C0027672, MeSH D009386, MONDO:0015356.
Hereditary breast ovarian cancer syndrome. Also called: Hereditary breast and ovarian cancer syndrome; BRCA1- and BRCA2-Associated Hereditary Breast and Ovarian Cancer; Hereditary breast and ovarian cancer; Hereditary breast and ovarian cancer syndrome (HBOC); Breast and ovarian cancer; Hereditary breast and/or ovarian cancer syndrome. Identifiers: Orphanet 145, MedGen C0677776, MeSH D061325, MONDO:0003582. Disease mechanism: loss of function.

Submissions (2):

Labcorp Genetics (formerly Invitae), Labcorp
Classification: Uncertain significance for Hereditary breast ovarian cancer syndrome. Last evaluated: 2025-12-24. Review status: criteria provided, single submitter. Criteria: Invitae Variant Classification Sherloc (09022015). Collection method: clinical testing. Allele origin: germline.
Comment: This sequence change replaces serine, which is neutral and polar, with cysteine, which is neutral and slightly polar, at codon 1943 of the BRCA2 protein (p.Ser1943Cys). This variant is not present in population databases (gnomAD no frequency). This variant has not been reported in the literature in individuals affected with BRCA2-related conditions. ClinVar contains an entry for this variant (Variation ID: 3825403). Invitae Evidence Modeling of protein sequence and biophysical properties (such as structural, functional, and spatial information, amino acid conservation, physicochemical variation, residue mobility, and thermodynamic stability) indicates that this missense variant is not expected to disrupt BRCA2 protein function with a negative predictive value of 95%. In summary, the available evidence is currently insufficient to determine the role of this variant in disease. Therefore, it has been classified as a Variant of Uncertain Significance.

Ambry Genetics
Classification: Uncertain significance for Hereditary cancer-predisposing syndrome. Last evaluated: 2024-12-21. Review status: criteria provided, single submitter. Criteria: Ambry Variant Classification Scheme 2023. Collection method: clinical testing. Allele origin: germline.
Comment: The p.S1943C variant (also known as c.5828C>G), located in coding exon 10 of the BRCA2 gene, results from a C to G substitution at nucleotide position 5828. The serine at codon 1943 is replaced by cysteine, an amino acid with dissimilar properties. This amino acid position is conserved. In addition, this alteration is predicted to be tolerated by in silico analysis. Based on the available evidence, the clinical significance of this variant remains unclear.

NM_000059.4(BRCA2):c.5828C>G (p.Ser1943Cys)

Gene: BRCA2 (BRCA2 DNA repair associated; plus strand). Cytogenetic location: 13q13.1.
Variant type: single nucleotide variant.
Coding change: c.5828C>G on transcript NM_000059.4 (MANE Select); coding-DNA position 5828, C replaced by G.
Protein change: p.Ser1943Cys; replaces serine 1943 with cysteine.
Molecular consequence: missense variant. On other transcripts: non-coding transcript variant (1), intron variant (2).
Genome position (GRCh38, 1-based): chr13:32,340,183, C>G. VCF-style: chr13-32340183-C-G. GRCh37 (hg19) VCF-style: chr13-32914320-C-G.
Other names: c.5828C>G, p.Ser1943Cys (NM_001406719.1, NM_001406720.1, NM_001432077.1); c.1910-4375C>G (NM_001406721.1); c.425-4375C>G (NM_001406722.1); short protein forms S1943C.
Identifiers: ClinVar variation 3825403 (VCV003825403.2).